The following is an entry in ClinVar:

ClinVar aggregate classification (germline): Conflicting classifications of pathogenicity. Review status: criteria provided, conflicting classifications (1 of 4 stars). 7 submissions from 7 submitters: Pathogenic (3); Likely pathogenic (2); Uncertain significance (1). 1 of the submissions does not count toward it. Last evaluated 2026-02-05.

Conditions:
Joubert syndrome. Also called: Familial aplasia of the vermis; JOUBERT-BOLTSHAUSER SYNDROME. Identifiers: Orphanet 475, MedGen C5979921, MONDO:0018772.
Meckel-Gruber syndrome. Also called: Dysencephalia splachnocystica; DYSENCEPHALIA SPLANCHNOCYSTICA; GRUBER SYNDROME. Identifiers: Orphanet 564, MedGen C0265215, MONDO:0018921.
Joubert syndrome 9 (JBTS9). Identifiers: Orphanet 2318, MedGen C2676788, MONDO:0012849, OMIM 612285.
CC2D2A-related disorder. Also called: CC2D2A-related disorders; CC2D2A-related condition. Identifiers: MedGen CN239313.
Joubert syndrome and related disorders. Identifiers: Orphanet 140874, MedGen C5679612, MONDO:0015369.

Submissions (7):

Clinical Genetics and Genomics, Karolinska University Hospital
Classification: Pathogenic for Joubert syndrome 9. Last evaluated: 2026-02-05. Review status: criteria provided, single submitter. Criteria: ACMG Guidelines, 2015. Collection method: clinical testing. Allele origin: germline. Inheritance: Autosomal recessive inheritance. Affected: yes.

Myriad Genetics, Inc.
Classification: Likely pathogenic for Joubert syndrome and related disorders. Last evaluated: 2025-02-25. Review status: criteria provided, single submitter. Criteria: Myriad Autosomal Dominant, Autosomal Recessive and X-Linked Classification Criteria (2023). Collection method: clinical testing. Allele origin: unknown.
Comment: NM_001080522.2(CC2D2A):c.4844_4847delCTCT(S1615Lfs*16) is a frameshift variant that results in protein elongation classified as likely pathogenic in the context of CC2D2A-related disorders. S1615Lfs*16 has been observed in cases with relevant disease (PMID: 26092869, Ginevrino_2019_(Thesis)). Relevant functional assessments of this variant are not available in the literature. S1615Lfs*16 has been observed in referenced population frequency databases. In summary, NM_001080522.2(CC2D2A):c.4844_4847delCTCT(S1615Lfs*16) is a frameshift variant that results in protein elongation that has been observed more frequently in cases with the relevant disease than in healthy populations. Please note: this variant was assessed in the context of healthy population screening.

Johns Hopkins Genomics, Johns Hopkins University
Classification: Likely pathogenic for Joubert syndrome 9. Last evaluated: 2024-01-30. Review status: criteria provided, single submitter. Criteria: ACMG Guidelines, 2015. Collection method: clinical testing. Allele origin: germline.
Comment: This CC2D2A variant has been identified in individuals with CC2D2A- related disorders and confirmed to occur in trans with another disease-causing variant in at least one of these individuals. c.4844_4847del (rs1352980338) is rare (<0.1%) in a large population dataset (gnomAD v4.0.0: 16/1543904 total alleles; 0.001%; no homozygotes), and has been reported in ClinVar (Variation ID 217606). This frameshift variant is predicted to escape nonsense-mediated decay and result in a protein that has the last 6 native amino acids replaced by 15 novel amino acids. To our knowledge, the function of the extreme C-terminal region of the protein is not known. We consider c.4844_4847del in CC2D2A to be likely pathogenic for CC2D2A- related disorders.

Labcorp Genetics (formerly Invitae), Labcorp
Classification: Uncertain significance for Joubert syndrome; Meckel-Gruber syndrome. Last evaluated: 2022-02-20. Review status: criteria provided, single submitter. Criteria: Invitae Variant Classification Sherloc (09022015). Collection method: clinical testing. Allele origin: germline.
Comment: This sequence change results in a frameshift in the CC2D2A gene (p.Ser1615Leufs*16). While this is not anticipated to result in nonsense mediated decay, it is expected to disrupt the last 6 amino acid(s) of the CC2D2A protein and extend the protein by 9 additional amino acid residues. This variant is present in population databases (rs776305976, gnomAD 0.002%). This frameshift has been observed in individual(s) with Joubert syndrome (PMID: 22241855). ClinVar contains an entry for this variant (Variation ID: 217606). Experimental studies and prediction algorithms are not available or were not evaluated, and the functional significance of this variant is currently unknown. In summary, the available evidence is currently insufficient to determine the role of this variant in disease. Therefore, it has been classified as a Variant of Uncertain Significance.

CeGaT Center for Human Genetics Tuebingen
Classification: Pathogenic. Last evaluated: 2021-08-01. Review status: criteria provided, single submitter. Criteria: CeGaT Center For Human Genetics Tuebingen Variant Classification Criteria Version 2. Collection method: clinical testing. Allele origin: germline. Affected: yes. Observed: 2 variant alleles.

UW Hindbrain Malformation Research Program, University of Washington
Classification: Pathogenic for Joubert syndrome 9. Last evaluated: 2015-02-23. Review status: criteria provided, single submitter. Criteria: Bachmann-Gagescu et al. (J Med Genet. 2015). Collection method: research. Allele origin: unknown. Affected: yes.

PreventionGenetics, part of Exact Sciences
Classification: Likely pathogenic for CC2D2A-related condition. Last evaluated: 2024-09-09. Review status: no assertion criteria provided. Collection method: clinical testing. Allele origin: germline. Not counted in ClinVar's aggregate classification.
Comment: The CC2D2A c.4844_4847delCTCT variant is predicted to result in a frameshift disrupting the last 6 amino acids and extending the protein length by 9 amino acids (p.Ser1615Leufs*16). This variant has been reported in two patients with Joubert syndrome, in one along with a pathogenic missense variant and in the other with a splicing variant in CC2D2A (Bachmann-Gagescu et al. 2012. PubMed ID: 22241855). This variant is reported in 0.0011% of alleles in individuals of European (non-Finnish) descent in gnomAD. Frameshift variants in CC2D2A are expected to be pathogenic. Given all the evidence, we interpret this variant as likely pathogenic.

Literature cited by the submitters: PubMed 22241855 (cited by Johns Hopkins Genomics, Johns Hopkins University and Labcorp Genetics (formerly Invitae), Labcorp); PubMed 26092869 (cited by Johns Hopkins Genomics, Johns Hopkins University); PubMed 36319078 (cited by Johns Hopkins Genomics, Johns Hopkins University); PubMed 38231387 (cited by Johns Hopkins Genomics, Johns Hopkins University).

NM_001378615.1(CC2D2A):c.4844_4847del (p.Ser1615fs)

Genes: CC2D2A (coiled-coil and C2 domain containing 2A; plus strand), FBXL5 (F-box and leucine rich repeat protein 5; minus strand). Cytogenetic location: 4p15.32.
Variant type: Microsatellite.
Coding change: c.4844_4847del on transcript NM_001378615.1 (MANE Select); coding-DNA positions 4844 to 4847, 4 bases deleted (CTCT; older notation c.4844_4847delCTCT).
Protein change: p.Ser1615fs; shifts the reading frame from serine 1615.
Molecular consequence: frameshift variant.
Genome position (GRCh38, 1-based): chr4:15,601,406-15,601,409, CTCT deleted; deleting any 4 consecutive bases within chr4:15,601,404-15,601,409 gives the same sequence; the c. name uses the placement nearest the transcript's 3' end. VCF-style (leftmost placement, unchanged base first): chr4-15601403-CCTCT-C. GRCh37 (hg19) VCF-style: chr4-15603026-CCTCT-C.
Other names: c.4844_4847del, p.Ser1615fs (NM_001080522.2); c.4697_4700del, p.Ser1566fs (NM_001378617.1); c.4843_4846delTCTC (NM_001080522.2); c.4844_4847delCTCT (NM_001080522.2); short protein forms S1615fs, S1566fs.
Identifiers: ClinVar variation 217606 (VCV000217606.49), dbSNP rs863225175, ClinGen allele CA279415.